The following is an entry in ClinVar:

ClinVar aggregate classification (germline): Uncertain significance (1 of 4 stars; one submission).

gnomAD v4.1: 2 of 1,612,874 alleles (0.00012%); highest among the groups gnomAD compares: Non-Finnish European, 0.00017%; no homozygotes.

Submission:

GeneDx
Classification: Uncertain significance. Last evaluated: 2025-07-02. Review status: criteria provided, single submitter. Criteria: GeneDx Variant Classification Process June 2021. Collection method: clinical testing. Allele origin: germline. Affected: yes.
Comment: Not observed at significant frequency in large population cohorts (gnomAD); In silico analysis supports that this missense variant has a deleterious effect on protein structure/function; Has not been previously published as pathogenic or benign to our knowledge

NM_006035.4(CDC42BPB):c.3846C>A (p.His1282Gln)

Gene: CDC42BPB (CDC42 binding protein kinase beta; minus strand). Cytogenetic location: 14q32.32.
Variant type: single nucleotide variant.
Coding change: c.3846C>A on transcript NM_006035.4 (MANE Select); coding-DNA position 3846, C replaced by A.
Protein change: p.His1282Gln; replaces histidine 1282 with glutamine.
Molecular consequence: missense variant.
Genome position (GRCh38, 1-based): chr14:102,944,453, G>T on the plus strand (C>A on the coding strand, the complement: CDC42BPB is on the minus strand). VCF-style: chr14-102944453-G-T. GRCh37 (hg19) VCF-style: chr14-103410790-G-T.
Other names: c.3768C>A, p.His1256Gln (NM_001411054.1); short protein forms H1256Q, H1282Q.
Identifiers: ClinVar variation 4681101 (VCV004681101.1).
Genomic context (GRCh38, chr14:102,944,453, plus strand): 5'-ATGGTGGTTCCGGCCACAGAGGAGGATTACGATCTTCTCCCTGGGAGCAAGCTCGATCTG[G>T]TGTACCTTCTTACAGTCAGCGGCACGGACGATCACTGTGGCAAGGAGGACAAGAGCGTGA-3'
Protein context (NP_006026.3, residues 1272-1292): IVRAADCKKV[His1282Gln]QIELAPREKI